The following is an entry in ClinVar:

NM_016343.4(CENPF):c.1597C>G (p.Gln533Glu)

Gene: CENPF (centromere protein F; plus strand). Cytogenetic location: 1q41.
Variant type: single nucleotide variant.
Coding change: c.1597C>G on transcript NM_016343.4 (MANE Select); coding-DNA position 1597, C replaced by G.
Protein change: p.Gln533Glu; replaces glutamine 533 with glutamic acid.
Molecular consequence: missense variant.
Genome position (GRCh38, 1-based): chr1:214,639,935, C>G. VCF-style: chr1-214639935-C-G. GRCh37 (hg19) VCF-style: chr1-214813278-C-G.
Other names: short protein forms Q533E.
Identifiers: ClinVar variation 2089898 (VCV002089898.4), dbSNP rs1174995496, ClinGen allele CA344817907.

ClinVar aggregate classification (germline): Uncertain significance (1 of 4 stars; one submission).

Submission:

Labcorp Genetics (formerly Invitae), Labcorp
Classification: Uncertain significance. Last evaluated: 2025-08-18. Review status: criteria provided, single submitter. Criteria: Invitae Variant Classification Sherloc (09022015). Collection method: clinical testing. Allele origin: germline.
Comment: This sequence change replaces glutamine, which is neutral and polar, with glutamic acid, which is acidic and polar, at codon 533 of the CENPF protein (p.Gln533Glu). This variant is not present in population databases (gnomAD no frequency). This variant has not been reported in the literature in individuals affected with CENPF-related conditions. ClinVar contains an entry for this variant (Variation ID: 2089898). An algorithm developed to predict the effect of missense changes on protein structure and function (PolyPhen-2) suggests that this variant is likely to be tolerated. In summary, the available evidence is currently insufficient to determine the role of this variant in disease. Therefore, it has been classified as a Variant of Uncertain Significance.